The following is an entry in ClinVar:

NM_001042492.3(NF1):c.2170_2173del (p.Asp724fs)

Gene: NF1 (neurofibromin 1; plus strand). Cytogenetic location: 17q11.2.
Variant type: Deletion.
Coding change: c.2170_2173del on transcript NM_001042492.3 (MANE Select); coding-DNA positions 2170 to 2173, 4 bases deleted (GATG; older notation c.2170_2173delGATG).
Protein change: p.Asp724fs; shifts the reading frame from aspartic acid 724.
Molecular consequence: frameshift variant.
Genome position (GRCh38, 1-based): chr17:31,226,603-31,226,606, GATG deleted; deleting any 4 consecutive bases within chr17:31,226,601-31,226,606 gives the same sequence; the c. name uses the placement nearest the transcript's 3' end. VCF-style (leftmost placement, unchanged base first): chr17-31226600-GTGGA-G. GRCh37 (hg19) VCF-style: chr17-29553618-GTGGA-G.
Other names: c.2170_2173del, p.Asp724fs (NM_000267.4); short protein forms D724fs.
Identifiers: ClinVar variation 4725605 (VCV004725605.1).

ClinVar aggregate classification (germline): Pathogenic (1 of 4 stars; one submission).

Conditions:
Neurofibromatosis, type 1 (NF1). Also called: NEUROFIBROMATOSIS, TYPE I, SOMATIC; VON RECKLINGHAUSEN DISEASE; Peripheral type neurofibromatosis; Neurofibromatosis, type I. Identifiers: Orphanet 636, MedGen C0027831, MONDO:0018975, OMIM 162200. Disease mechanism: loss of function.

Submission:

Labcorp Genetics (formerly Invitae), Labcorp
Classification: Pathogenic for Neurofibromatosis, type 1. Last evaluated: 2025-08-18. Review status: criteria provided, single submitter. Criteria: Invitae Variant Classification Sherloc (09022015). Collection method: clinical testing. Allele origin: germline.
Comment: This sequence change creates a premature translational stop signal (p.Asp724Lysfs*23) in the NF1 gene. It is expected to result in an absent or disrupted protein product. Loss-of-function variants in NF1 are known to be pathogenic (PMID: 10712197, 23913538). This variant is not present in population databases (gnomAD no frequency). This variant has not been reported in the literature in individuals affected with NF1-related conditions. For these reasons, this variant has been classified as Pathogenic.

Literature cited by the submitters: PubMed 10712197; PubMed 23913538.